The following is an entry in ClinVar:

ClinVar aggregate classification (germline): Uncertain significance (1 of 4 stars; one submission).

Allele frequency attached by ClinVar (database versions not stated): gnomAD 0.00002; TOPMed 0.00003.
gnomAD v4.1: 6 of 1,548,660 alleles (0.00039%); highest among the groups gnomAD compares: African/African-American, 0.0082%; no homozygotes.

Submission:

Labcorp Genetics (formerly Invitae), Labcorp
Classification: Uncertain significance. Last evaluated: 2021-03-18. Review status: criteria provided, single submitter. Criteria: Invitae Variant Classification Sherloc (09022015). Collection method: clinical testing. Allele origin: germline.
Comment: In summary, the available evidence is currently insufficient to determine the role of this variant in disease. Therefore, it has been classified as a Variant of Uncertain Significance. Algorithms developed to predict the effect of missense changes on protein structure and function are either unavailable or do not agree on the potential impact of this missense change (SIFT: "Not Available"; PolyPhen-2: "Benign"; Align-GVGD: "Not Available"). This variant has not been reported in the literature in individuals with UBA5-related conditions. This variant is not present in population databases (ExAC no frequency). This sequence change replaces alanine with valine at codon 2 of the UBA5 protein (p.Ala2Val). The alanine residue is moderately conserved and there is a small physicochemical difference between alanine and valine.

NM_024818.6(UBA5):c.5C>T (p.Ala2Val)

Genes: NPHP3-ACAD11 (NPHP3-ACAD11 readthrough (NMD candidate); minus strand), UBA5 (ubiquitin like modifier activating enzyme 5; plus strand). Cytogenetic location: 3q22.1.
Variant type: single nucleotide variant.
Coding change: c.5C>T on transcript NM_024818.6 (MANE Select); coding-DNA position 5, C replaced by T.
Protein change: p.Ala2Val; replaces alanine 2 with valine.
Molecular consequence: missense variant. On other transcripts: 5 prime UTR variant (3), intron variant (1).
Genome position (GRCh38, 1-based): chr3:132,660,542, C>T. VCF-style: chr3-132660542-C-T. GRCh37 (hg19) VCF-style: chr3-132379386-C-T.
Other names: c.-514C>T (NM_001320210.2); c.-480C>T (NM_001321238.2); c.-196C>T (NM_001321239.1); c.-7-5281C>T (NM_198329.4); short protein forms A2V.
Identifiers: ClinVar variation 1493441 (VCV001493441.6), dbSNP rs898467888, ClinGen allele CA83603154.